The following is an entry in ClinVar:

ClinVar aggregate classification (germline): Conflicting classifications of pathogenicity. Review status: criteria provided, conflicting classifications (1 of 4 stars). 3 submissions from 3 submitters: Uncertain significance (2); Likely benign (1). Last evaluated 2024-08-05.

Conditions:
Inborn genetic diseases. Identifiers: MedGen C0950123, MeSH D030342.
Pitt-Hopkins-like syndrome 2 (PTHSL2). Identifiers: Orphanet 221150, Orphanet 600663, MedGen C3280479, MONDO:0013690, OMIM 614325.

Allele frequency attached by ClinVar (database versions not stated): TOPMed 0.00002; gnomAD 0.00003.
gnomAD v4.1: 19 of 1,587,002 alleles (0.0012%); highest among the groups gnomAD compares: African/African-American, 0.0094%; no homozygotes.

Submissions (3):

Ambry Genetics
Classification: Uncertain significance for Inborn genetic diseases. Last evaluated: 2024-08-05. Review status: criteria provided, single submitter. Criteria: Ambry Variant Classification Scheme 2023. Collection method: clinical testing. Allele origin: germline.

Labcorp Genetics (formerly Invitae), Labcorp
Classification: Uncertain significance for Pitt-Hopkins-like syndrome 2. Last evaluated: 2024-03-07. Review status: criteria provided, single submitter. Criteria: Invitae Variant Classification Sherloc (09022015). Collection method: clinical testing. Allele origin: germline.
Comment: This sequence change replaces arginine, which is basic and polar, with serine, which is neutral and polar, at codon 64 of the NRXN1 protein (p.Arg64Ser). The frequency data for this variant in the population databases is considered unreliable, as metrics indicate poor data quality at this position in the gnomAD database. This variant has not been reported in the literature in individuals affected with NRXN1-related conditions. ClinVar contains an entry for this variant (Variation ID: 539880). An algorithm developed to predict the effect of missense changes on protein structure and function (PolyPhen-2) suggests that this variant is likely to be tolerated. In summary, the available evidence is currently insufficient to determine the role of this variant in disease. Therefore, it has been classified as a Variant of Uncertain Significance.

GeneDx
Classification: Likely benign. Last evaluated: 2019-08-28. Review status: criteria provided, single submitter. Criteria: GeneDx Variant Classification Process June 2021. Collection method: clinical testing. Allele origin: germline. Affected: yes.

NM_001330078.2(NRXN1):c.190C>A (p.Arg64Ser)

Gene: NRXN1 (neurexin 1; minus strand). Cytogenetic location: 2p16.3.
Variant type: single nucleotide variant.
Coding change: c.190C>A on transcript NM_001330078.2 (MANE Select); coding-DNA position 190, C replaced by A.
Protein change: p.Arg64Ser; replaces arginine 64 with serine.
Molecular consequence: missense variant.
Genome position (GRCh38, 1-based): chr2:51,028,084, G>T on the plus strand (C>A on the coding strand, the complement: NRXN1 is on the minus strand). VCF-style: chr2-51028084-G-T. GRCh37 (hg19) VCF-style: chr2-51255222-G-T.
Other names: c.190C>A, p.Arg64Ser (NM_001135659.3, NM_001330077.2, NM_001330079.2 and 15 more transcripts); short protein forms R64S.
Identifiers: ClinVar variation 539880 (VCV000539880.12), dbSNP rs201566733, ClinGen allele CA48054934.